The following is an entry in ClinVar:

ClinVar aggregate classification (germline): Uncertain significance (1 of 4 stars; one submission).

Conditions:
Neuroblastoma, susceptibility to, 3. Also called: ALK-Related Neuroblastic Tumor Susceptibility. Identifiers: Orphanet 635, MedGen C2751681, MONDO:0013083, OMIM 613014.

Submission:

Labcorp Genetics (formerly Invitae), Labcorp
Classification: Uncertain significance for Neuroblastoma, susceptibility to, 3. Last evaluated: 2023-01-09. Review status: criteria provided, single submitter. Criteria: Invitae Variant Classification Sherloc (09022015). Collection method: clinical testing. Allele origin: germline.
Comment: In summary, the available evidence is currently insufficient to determine the role of this variant in disease. Therefore, it has been classified as a Variant of Uncertain Significance. Algorithms developed to predict the effect of missense changes on protein structure and function (SIFT, PolyPhen-2, Align-GVGD) all suggest that this variant is likely to be tolerated. This sequence change replaces valine, which is neutral and non-polar, with aspartic acid, which is acidic and polar, at codon 1541 of the ALK protein (p.Val1541Asp). This variant has not been reported in the literature in individuals affected with ALK-related conditions. This variant is not present in population databases (gnomAD no frequency).

NM_004304.5(ALK):c.4622T>A (p.Val1541Asp)

Gene: ALK (ALK receptor tyrosine kinase; minus strand). Cytogenetic location: 2p23.2.
Variant type: single nucleotide variant.
Coding change: c.4622T>A on transcript NM_004304.5 (MANE Select); coding-DNA position 4622, T replaced by A.
Protein change: p.Val1541Asp; replaces valine 1541 with aspartic acid.
Molecular consequence: missense variant.
Genome position (GRCh38, 1-based): chr2:29,193,465, A>T on the plus strand (T>A on the coding strand, the complement: ALK is on the minus strand). VCF-style: chr2-29193465-A-T. GRCh37 (hg19) VCF-style: chr2-29416331-A-T.
Other names: c.1418T>A, p.Val473Asp (NM_001353765.2); short protein forms V1541D, V473D.
Identifiers: ClinVar variation 2877920 (VCV002877920.3), dbSNP rs552439944, ClinGen allele CA346460577.
Genomic context (GRCh38, chr2:29,193,465, plus strand): 5'-GAAGAGGGCTCTAGGAGCAGTGAGGCCCCCGGAAGTCTCCCAGTTGCAACGTTAGGTGGG[A>T]CAGTACAGCTTCCCTCCAGCCCCAGGTTACCCCTGTCGTGTGGCTCCTTCTTTGCTATAG-3'
Protein context (NP_004295.2, residues 1531-1551): GNLGLEGSCT[Val1541Asp]PPNVATGRLP